The following is an entry in ClinVar:

NM_006514.4(SCN10A):c.3574G>C (p.Val1192Leu)

Gene: SCN10A (sodium voltage-gated channel alpha subunit 10; minus strand). Cytogenetic location: 3p22.2.
Variant type: single nucleotide variant.
Coding change: c.3574G>C on transcript NM_006514.4 (MANE Select); coding-DNA position 3574, G replaced by C.
Protein change: p.Val1192Leu; replaces valine 1192 with leucine.
Molecular consequence: missense variant.
Genome position (GRCh38, 1-based): chr3:38,718,760, C>G on the plus strand (G>C on the coding strand, the complement: SCN10A is on the minus strand). VCF-style: chr3-38718760-C-G. GRCh37 (hg19) VCF-style: chr3-38760251-C-G.
Other names: c.3571G>C, p.Val1191Leu (NM_001293306.2); c.3280G>C, p.Val1094Leu (NM_001293307.2); short protein forms V1192L, V1094L, V1191L.
Identifiers: ClinVar variation 1732819 (VCV001732819.2), dbSNP rs2470633936, ClinGen allele CA352153207.

ClinVar aggregate classification (germline): Uncertain significance (1 of 4 stars; one submission).

Conditions:
Cardiovascular phenotype. Identifiers: MedGen CN230736.

Submission:

Ambry Genetics
Classification: Uncertain significance for Cardiovascular phenotype. Last evaluated: 2019-10-21. Review status: criteria provided, single submitter. Criteria: Ambry Variant Classification Scheme 2023. Collection method: clinical testing. Allele origin: germline.
Comment: The p.V1192L variant (also known as c.3574G>C), located in coding exon 20 of the SCN10A gene, results from a G to C substitution at nucleotide position 3574. The valine at codon 1192 is replaced by leucine, an amino acid with highly similar properties. This amino acid position is not well conserved in available vertebrate species. In addition, the in silico prediction for this alteration is inconclusive. Since supporting evidence is limited at this time, the clinical significance of this alteration remains unclear.